The following is an entry in ClinVar:

NM_000531.6(OTC):c.92T>C (p.Leu31Pro)

Gene: OTC (ornithine transcarbamylase; plus strand). Cytogenetic location: Xp11.4.
Variant type: single nucleotide variant.
Coding change: c.92T>C on transcript NM_000531.6 (MANE Select); coding-DNA position 92, T replaced by C.
Protein change: p.Leu31Pro; replaces leucine 31 with proline.
Molecular consequence: missense variant.
Genome position (GRCh38, 1-based): chrX:38,367,305, T>C. VCF-style: chrX-38367305-T-C. GRCh37 (hg19) VCF-style: chrX-38226558-T-C.
Other names: c.92T>C, p.Leu31Pro (NM_001407092.1); short protein forms L31P.
Identifiers: ClinVar variation 2979143 (VCV002979143.3), dbSNP rs2519950526, ClinGen allele CA412715758.

ClinVar aggregate classification (germline): Uncertain significance (1 of 4 stars; one submission).

Conditions:
Ornithine carbamoyltransferase deficiency (OTCD). Also called: ORNITHINE TRANSCARBAMYLASE DEFICIENCY; ORNITHINE TRANSCARBAMYLASE DEFICIENCY, HYPERAMMONEMIA DUE TO; Ornithine Carbamoyltransferase Deficiency Disease; OTC DEFICIENCY. Identifiers: Orphanet 664, MedGen C0268542, MONDO:0010703, OMIM 311250.

Allele frequency attached by ClinVar (database versions not stated): gnomAD exomes below 0.00001.
gnomAD v4.1: 2 of 1,208,531 alleles (0.00017%); highest among the groups gnomAD compares: Non-Finnish European, 0.00011%; no homozygotes.

Submission:

Labcorp Genetics (formerly Invitae), Labcorp
Classification: Uncertain significance for Ornithine carbamoyltransferase deficiency. Last evaluated: 2023-11-07. Review status: criteria provided, single submitter. Criteria: Invitae Variant Classification Sherloc (09022015). Collection method: clinical testing. Allele origin: germline.
Comment: This sequence change replaces leucine, which is neutral and non-polar, with proline, which is neutral and non-polar, at codon 31 of the OTC protein (p.Leu31Pro). This variant is not present in population databases (gnomAD no frequency). This variant has not been reported in the literature in individuals affected with OTC-related conditions. Advanced modeling of protein sequence and biophysical properties (such as structural, functional, and spatial information, amino acid conservation, physicochemical variation, residue mobility, and thermodynamic stability) performed at Invitae indicates that this missense variant is not expected to disrupt OTC protein function with a negative predictive value of 95%. In summary, the available evidence is currently insufficient to determine the role of this variant in disease. Therefore, it has been classified as a Variant of Uncertain Significance.